The following is an entry in ClinVar:

NM_003334.4(UBA1):c.1115C>G (p.Ala372Gly)

Gene: UBA1 (ubiquitin like modifier activating enzyme 1; plus strand). Cytogenetic location: Xp11.3.
Variant type: single nucleotide variant.
Coding change: c.1115C>G on transcript NM_003334.4 (MANE Select); coding-DNA position 1115, C replaced by G.
Protein change: p.Ala372Gly; replaces alanine 372 with glycine.
Molecular consequence: missense variant.
Genome position (GRCh38, 1-based): chrX:47,202,696, C>G. VCF-style: chrX-47202696-C-G. GRCh37 (hg19) VCF-style: chrX-47062095-C-G.
Other names: c.1115C>G, p.Ala372Gly (NM_153280.3); short protein forms A372G.
Identifiers: ClinVar variation 2732900 (VCV002732900.3), dbSNP rs782051479, ClinGen allele CA412796132.
Genomic context (GRCh38, chrX:47,202,696, plus strand): 5'-AGGAGGATGCAGCAGAACTGGTAGCCTTAGCACAGGCTGTGAATGCTCGAGCCCTGCCAG[C>G]AGTGCAGCAAAATAACCTGGACGAGGACCTCATCCGGAAGCTGGCATATGTGGCTGCTGG-3'
Protein context (NP_003325.2, residues 362-382): AQAVNARALP[Ala372Gly]VQQNNLDEDL

ClinVar aggregate classification (germline): Uncertain significance (1 of 4 stars; one submission).

Conditions:
Infantile-onset X-linked spinal muscular atrophy. Also called: Spinal Muscular Atrophy, X-Linked Infantile; Spinal muscular atrophy, X-linked 2; AMC, DISTAL, X-LINKED; ARTHROGRYPOSIS, X-LINKED, TYPE I; SPINAL MUSCULAR ATROPHY, X-LINKED LETHAL INFANTILE. Identifiers: Orphanet 1145, MedGen C1844934, MONDO:0010532, OMIM 301830.

gnomAD v4.1: 3 of 1,212,190 alleles (0.00025%); highest among the groups gnomAD compares: Non-Finnish European, 0.00011%; no homozygotes.

Submission:

Labcorp Genetics (formerly Invitae), Labcorp
Classification: Uncertain significance for Infantile-onset X-linked spinal muscular atrophy. Last evaluated: 2023-06-29. Review status: criteria provided, single submitter. Criteria: Invitae Variant Classification Sherloc (09022015). Collection method: clinical testing. Allele origin: germline.
Comment: In summary, the available evidence is currently insufficient to determine the role of this variant in disease. Therefore, it has been classified as a Variant of Uncertain Significance. Algorithms developed to predict the effect of missense changes on protein structure and function output the following: SIFT: "Not Available"; PolyPhen-2: "Benign"; Align-GVGD: "Not Available". The glycine amino acid residue is found in multiple mammalian species, which suggests that this missense change does not adversely affect protein function. This variant has not been reported in the literature in individuals affected with UBA1-related conditions. This variant is not present in population databases (gnomAD no frequency). This sequence change replaces alanine, which is neutral and non-polar, with glycine, which is neutral and non-polar, at codon 372 of the UBA1 protein (p.Ala372Gly).